The following is an entry in ClinVar:

NM_004035.7(ACOX1):c.620T>C (p.Val207Ala)

Gene: ACOX1 (acyl-CoA oxidase 1; minus strand). Cytogenetic location: 17q25.1.
Variant type: single nucleotide variant.
Coding change: c.620T>C on transcript NM_004035.7 (MANE Select); coding-DNA position 620, T replaced by C.
Protein change: p.Val207Ala; replaces valine 207 with alanine.
Molecular consequence: missense variant.
Genome position (GRCh38, 1-based): chr17:75,955,866, A>G on the plus strand (T>C on the coding strand, the complement: ACOX1 is on the minus strand). VCF-style: chr17-75955866-A-G. GRCh37 (hg19) VCF-style: chr17-73951947-A-G.
Other names: c.506T>C, p.Val169Ala (NM_001185039.2); c.620T>C, p.Val207Ala (NM_007292.6); short protein forms V207A, V169A.
Identifiers: ClinVar variation 2885768 (VCV002885768.3), dbSNP rs760738155, ClinGen allele CA8776973.

ClinVar aggregate classification (germline): Uncertain significance (1 of 4 stars; one submission).

Conditions:
Acyl-CoA oxidase deficiency. Also called: Peroxisomal acyl-CoA oxidase deficiency; STRAIGHT-CHAIN ACYL-CoA OXIDASE DEFICIENCY; Pseudoneonatal adrenoleukodystrophy. Identifiers: Orphanet 2971, MedGen C1849678, MONDO:0009919, OMIM 264470. Disease mechanism: loss of function.

Allele frequency attached by ClinVar (database versions not stated): TOPMed below 0.00001; gnomAD 0.00001; gnomAD exomes 0.00001; ExAC 0.00002.
gnomAD v4.1: 14 of 1,614,088 alleles (0.00087%); highest among the groups gnomAD compares: Non-Finnish European, 0.0012%; no homozygotes.

Submission:

Labcorp Genetics (formerly Invitae), Labcorp
Classification: Uncertain significance for Acyl-CoA oxidase deficiency. Last evaluated: 2023-01-30. Review status: criteria provided, single submitter. Criteria: Invitae Variant Classification Sherloc (09022015). Collection method: clinical testing. Allele origin: germline.
Comment: This sequence change replaces valine, which is neutral and non-polar, with alanine, which is neutral and non-polar, at codon 207 of the ACOX1 protein (p.Val207Ala). This variant is present in population databases (rs760738155, gnomAD 0.002%). This variant has not been reported in the literature in individuals affected with ACOX1-related conditions. Algorithms developed to predict the effect of missense changes on protein structure and function (SIFT, PolyPhen-2, Align-GVGD) all suggest that this variant is likely to be disruptive. In summary, the available evidence is currently insufficient to determine the role of this variant in disease. Therefore, it has been classified as a Variant of Uncertain Significance.